The following is an entry in ClinVar:

ClinVar aggregate classification (germline): Likely benign. Review status: criteria provided, single submitter (1 of 4 stars). 2 submissions from 2 submitters: Likely benign (1). 1 of the submissions does not count toward it. Last evaluated 2022-04-26.

Conditions:
ALPK2-related disorder. Also called: ALPK2-related condition.

Allele frequency attached by ClinVar (database versions not stated): gnomAD exomes 0.00001; ExAC 0.00002; TOPMed 0.00003; gnomAD 0.00005.
gnomAD v4.1: 28 of 1,613,976 alleles (0.0017%); highest among the groups gnomAD compares: African/African-American, 0.0053%; no homozygotes.

Submissions (2):

Ambry Genetics
Classification: Likely benign. Last evaluated: 2022-04-26. Review status: criteria provided, single submitter. Criteria: Ambry Variant Classification Scheme 2023. Collection method: clinical testing. Allele origin: germline.

PreventionGenetics, part of Exact Sciences
Classification: Likely benign for ALPK2-related condition. Last evaluated: 2019-03-28. Review status: no assertion criteria provided. Collection method: clinical testing. Allele origin: germline. Not counted in ClinVar's aggregate classification.
Comment: This variant is classified as likely benign based on ACMG/AMP sequence variant interpretation guidelines (Richards et al. 2015 PMID: 25741868, with internal and published modifications).

NM_052947.4(ALPK2):c.1542G>A (p.Thr514=)

Gene: ALPK2 (alpha kinase 2; minus strand). Cytogenetic location: 18q21.31.
Variant type: single nucleotide variant.
Coding change: c.1542G>A on transcript NM_052947.4 (MANE Select); coding-DNA position 1542, G replaced by A.
Protein change: p.Thr514=; no amino-acid change (threonine 514 retained).
Molecular consequence: synonymous variant.
Genome position (GRCh38, 1-based): chr18:58,579,234, C>T on the plus strand (G>A on the coding strand, the complement: ALPK2 is on the minus strand). VCF-style: chr18-58579234-C-T. GRCh37 (hg19) VCF-style: chr18-56246466-C-T.
Identifiers: ClinVar variation 1774874 (VCV001774874.4), dbSNP rs749206916, ClinGen allele CA8977234.